The following is an entry in ClinVar:

NM_018489.3(ASH1L):c.2197_2198insCTTT (p.Gly733fs)

Gene: ASH1L (ASH1 like histone lysine methyltransferase; minus strand). Cytogenetic location: 1q22.
Variant type: Insertion.
Coding change: c.2197_2198insCTTT on transcript NM_018489.3 (MANE Select); coding-DNA positions 2197 to 2198, CTTT inserted.
Protein change: p.Gly733fs; shifts the reading frame from glycine 733.
Molecular consequence: frameshift variant.
Genome position: GRCh38 VCF-style: chr1-155480672-C-CAAAG. GRCh37 (hg19) VCF-style: chr1-155450463-C-CAAAG.
Other names: c.2197_2198insCTTT, p.Gly733fs (NM_001366177.2); short protein forms G733fs.
Identifiers: ClinVar variation 4586071 (VCV004586071.1).
Genomic context (GRCh38, chr1:155,480,672, plus strand): 5'-CTATTTGATAGTGAGCTACATGAAACGTTTTTAAAAAGCTCTGATCTTTCTAATTCTAGC[C>CAAAG]CTTTTGGAGACCGGCATGTGCTTCTTGCCACCACTTTAGTCCACCGAGGTTTTCTTCCTT-3'

ClinVar aggregate classification (germline): Pathogenic (1 of 4 stars; one submission).

Conditions:
Inborn genetic diseases. Identifiers: MedGen C0950123, MeSH D030342.

Submission:

Ambry Genetics
Classification: Pathogenic for Inborn genetic diseases. Last evaluated: 2025-10-28. Review status: criteria provided, single submitter. Criteria: Ambry Variant Classification Scheme 2023. Collection method: clinical testing. Allele origin: germline.
Comment: The c.2197_2198insCTTT (p.G733Afs*12) alteration, located in exon 3 (coding exon 2) of the ASH1L gene, consists of an insertion of CTTT at position 2197, causing a translational frameshift with a predicted alternate stop codon after 12 amino acids. This alteration is expected to result in loss of function by premature protein truncation or nonsense-mediated mRNA decay. This variant was not reported in population-based cohorts in the Genome Aggregation Database (gnomAD). Based on the available evidence, this alteration is classified as pathogenic.